The following is an entry in ClinVar:

ClinVar aggregate classification (germline): Uncertain significance (1 of 4 stars; one submission).

Conditions:
Inborn genetic diseases. Identifiers: MedGen C0950123, MeSH D030342.

Submission:

Ambry Genetics
Classification: Uncertain significance for Inborn genetic diseases. Last evaluated: 2025-03-03. Review status: criteria provided, single submitter. Criteria: Ambry Variant Classification Scheme 2023. Collection method: clinical testing. Allele origin: germline.
Comment: The p.D209N variant (also known as c.625G>A), located in coding exon 4 of the ANKRD26 gene, results from a G to A substitution at nucleotide position 625. The aspartic acid at codon 209 is replaced by asparagine, an amino acid with highly similar properties. This amino acid position is conserved. In addition, this alteration is predicted to be tolerated by in silico analysis. Based on the available evidence, the clinical significance of this variant remains unclear.

NM_014915.3(ANKRD26):c.625G>A (p.Asp209Asn)

Gene: ANKRD26 (ankyrin repeat domain containing 26; minus strand). Cytogenetic location: 10p12.1.
Variant type: single nucleotide variant.
Coding change: c.625G>A on transcript NM_014915.3 (MANE Select); coding-DNA position 625, G replaced by A.
Protein change: p.Asp209Asn; replaces aspartic acid 209 with asparagine.
Molecular consequence: missense variant.
Genome position (GRCh38, 1-based): chr10:27,092,419, C>T on the plus strand (G>A on the coding strand, the complement: ANKRD26 is on the minus strand). VCF-style: chr10-27092419-C-T. GRCh37 (hg19) VCF-style: chr10-27381348-C-T.
Other names: c.625G>A, p.Asp209Asn (NM_001256053.2); short protein forms D209N.
Identifiers: ClinVar variation 3871982 (VCV003871982.1).
Genomic context (GRCh38, chr10:27,092,419, plus strand): 5'-TTTAAACATACAAGTTTAAAAATCCAAAACAAAACCAGCTACTGTACCTTTCCAACTTAT[C>T]TACTGCATTTACATTTGCTTTTTTCTTTATTAAAAATTCCACCATTTGCTGCTTTTTTCC-3'
Protein context (NP_055730.2, residues 199-219): IKKKANVNAV[Asp209Asn]KLESSHQLIS